The following is an entry in ClinVar:

NM_004560.4(ROR2):c.29G>A (p.Arg10Gln)

Gene: ROR2 (receptor tyrosine kinase like orphan receptor 2; minus strand). Cytogenetic location: 9q22.31.
Variant type: single nucleotide variant.
Coding change: c.29G>A on transcript NM_004560.4 (MANE Select); coding-DNA position 29, G replaced by A.
Protein change: p.Arg10Gln; replaces arginine 10 with glutamine.
Molecular consequence: missense variant.
Genome position (GRCh38, 1-based): chr9:91,949,935, C>T on the plus strand (G>A on the coding strand, the complement: ROR2 is on the minus strand). VCF-style: chr9-91949935-C-T. GRCh37 (hg19) VCF-style: chr9-94712217-C-T.
Other names: c.29G>A, p.Arg10Gln (NM_001318204.2); short protein forms R10Q.
Identifiers: ClinVar variation 3635824 (VCV003635824.2).

ClinVar aggregate classification (germline): Uncertain significance (1 of 4 stars; one submission).

gnomAD v4.1: 2 of 1,516,946 alleles (0.00013%); highest among the groups gnomAD compares: East Asian, 0.0026%; no homozygotes.

Submission:

Labcorp Genetics (formerly Invitae), Labcorp
Classification: Uncertain significance. Last evaluated: 2024-06-19. Review status: criteria provided, single submitter. Criteria: Invitae Variant Classification Sherloc (09022015). Collection method: clinical testing. Allele origin: germline.
Comment: This sequence change replaces arginine, which is basic and polar, with glutamine, which is neutral and polar, at codon 10 of the ROR2 protein (p.Arg10Gln). This variant is not present in population databases (gnomAD no frequency). This variant has not been reported in the literature in individuals affected with ROR2-related conditions. Advanced modeling of protein sequence and biophysical properties (such as structural, functional, and spatial information, amino acid conservation, physicochemical variation, residue mobility, and thermodynamic stability) performed at Invitae indicates that this missense variant is not expected to disrupt ROR2 protein function with a negative predictive value of 95%. In summary, the available evidence is currently insufficient to determine the role of this variant in disease. Therefore, it has been classified as a Variant of Uncertain Significance.